The following is an entry in ClinVar:

ClinVar aggregate classification (germline): Likely benign. Review status: criteria provided, multiple submitters, no conflicts (2 of 4 stars). 3 submissions from 3 submitters: Likely benign (3). Last evaluated 2026-04-29.

Conditions:
Nephronophthisis 14 (NPHP14). Identifiers: Orphanet 2318, MedGen C3539071, MONDO:0013916, OMIM 614844.
ZNF423-related disorder. Also called: ZNF423-related condition.

Allele frequency attached by ClinVar (database versions not stated): gnomAD 0.00001; gnomAD exomes 0.00001 and 0.00003; TOPMed 0.00001; ExAC 0.00003.
gnomAD v4.1: 20 of 1,614,002 alleles (0.0012%); highest among the groups gnomAD compares: Admixed American, 0.005%; no homozygotes.

Submissions (3):

PreventionGenetics, part of Exact Sciences
Classification: Likely benign for ZNF423-related condition. Last evaluated: 2026-04-29. Review status: criteria provided, single submitter. Criteria: ACMG Guidelines, 2015. Collection method: clinical testing. Allele origin: germline.
Comment: This variant is classified as likely benign based on ACMG/AMP sequence variant interpretation guidelines (Richards et al. 2015 PMID: 25741868, with internal and published modifications).

Labcorp Genetics (formerly Invitae), Labcorp
Classification: Likely benign for Nephronophthisis 14. Last evaluated: 2024-02-19. Review status: criteria provided, single submitter. Criteria: Invitae Variant Classification Sherloc (09022015). Collection method: clinical testing. Allele origin: germline.

Blueprint Genetics
Classification: Likely benign. Last evaluated: 2023-11-23. Review status: criteria provided, single submitter. Criteria: ACMG Guidelines, 2015. Collection method: clinical testing. Allele origin: germline.

NM_001379286.1(ZNF423):c.381C>T (p.Ile127=)

Gene: ZNF423 (zinc finger protein 423; minus strand). Cytogenetic location: 16q12.1.
Variant type: single nucleotide variant.
Coding change: c.381C>T on transcript NM_001379286.1 (MANE Select); coding-DNA position 381, C replaced by T.
Protein change: p.Ile127=; no amino-acid change (isoleucine 127 retained).
Molecular consequence: synonymous variant.
Genome position (GRCh38, 1-based): chr16:49,638,795, G>A on the plus strand (C>T on the coding strand, the complement: ZNF423 is on the minus strand). VCF-style: chr16-49638795-G-A. GRCh37 (hg19) VCF-style: chr16-49672706-G-A.
Other names: c.357C>T (NM_015069.4); c.177C>T, p.Ile59= (NM_001271620.2); c.6C>T, p.Ile2= (NM_001330533.2); c.357C>T, p.Ile119= (NM_015069.5).
Identifiers: ClinVar variation 1651730 (VCV001651730.10), dbSNP rs371181840, ClinGen allele CA8046882.
Genomic context (GRCh38, chr16:49,638,795, plus strand): 5'-AGGGTATGGCAGGCCCGTGCCCCCTTCCTCCTCGCCGAGGCCGAGGTCACAACCATCTCC[G>A]ATCATCTGCGTGGGTGACGCAACATCCTTGCTGGAGGGAGACGAGGCCACCCAGGAGAGT-3'
Protein context (NP_001366215.1, residues 117-137): SKDVASPTQM[Ile127=]GDGCDLGLGE